The following is an entry in ClinVar:

NM_012123.4(MTO1):c.152C>T (p.Ala51Val)

Gene: MTO1 (mitochondrial tRNA translation optimization 1; plus strand). Cytogenetic location: 6q13.
Variant type: single nucleotide variant.
Coding change: c.152C>T on transcript NM_012123.4 (MANE Select); coding-DNA position 152, C replaced by T.
Protein change: p.Ala51Val; replaces alanine 51 with valine.
Molecular consequence: missense variant.
Genome position (GRCh38, 1-based): chr6:73,462,006, C>T. VCF-style: chr6-73462006-C-T. GRCh37 (hg19) VCF-style: chr6-74171729-C-T.
Other names: c.152C>T, p.Ala51Val (NM_001123226.2, NM_133645.3); short protein forms A51V.
Identifiers: ClinVar variation 1943442 (VCV001943442.5), dbSNP rs2533233963, ClinGen allele CA364712000.

ClinVar aggregate classification (germline): Uncertain significance (1 of 4 stars; one submission).

Conditions:
Mitochondrial hypertrophic cardiomyopathy with lactic acidosis due to MTO1 deficiency. Also called: CARDIOMYOPATHY, INFANTILE HYPERTROPHIC MITOCHONDRIAL, AND LACTIC ACIDOSIS; Combined oxidative phosphorylation deficiency 10. Identifiers: Orphanet 314637, MedGen C4749921, MONDO:0013865, OMIM 614702.

Allele frequency attached by ClinVar (database versions not stated): gnomAD exomes below 0.00001.
gnomAD v4.1: 1 of 1,613,610 alleles (0.000062%); highest among the groups gnomAD compares: Non-Finnish European, 0.000085%; no homozygotes.

Submission:

Labcorp Genetics (formerly Invitae), Labcorp
Classification: Uncertain significance for Mitochondrial hypertrophic cardiomyopathy with lactic acidosis due to MTO1 deficiency. Last evaluated: 2024-11-04. Review status: criteria provided, single submitter. Criteria: Invitae Variant Classification Sherloc (09022015). Collection method: clinical testing. Allele origin: germline.
Comment: This sequence change replaces alanine, which is neutral and non-polar, with valine, which is neutral and non-polar, at codon 51 of the MTO1 protein (p.Ala51Val). This variant is not present in population databases (gnomAD no frequency). This variant has not been reported in the literature in individuals affected with MTO1-related conditions. ClinVar contains an entry for this variant (Variation ID: 1943442). Invitae Evidence Modeling of protein sequence and biophysical properties (such as structural, functional, and spatial information, amino acid conservation, physicochemical variation, residue mobility, and thermodynamic stability) has been performed for this missense variant. However, the output from this modeling did not meet the statistical confidence thresholds required to predict the impact of this variant on MTO1 protein function. In summary, the available evidence is currently insufficient to determine the role of this variant in disease. Therefore, it has been classified as a Variant of Uncertain Significance.